The following is an entry in ClinVar:

NM_181458.4(PAX3):c.68del (p.Ser23fs)

Genes: PAX3 (paired box 3; minus strand), CCDC140 (CCDC140 long non-coding RNA; plus strand). Cytogenetic location: 2q36.1.
Variant type: Deletion.
Coding change: c.68del on transcript NM_181458.4 (MANE Select); coding-DNA position 68, one base deleted (G; older notation c.68delG).
Protein change: p.Ser23fs; shifts the reading frame from serine 23.
Molecular consequence: frameshift variant.
Genome position (GRCh38, 1-based): chr2:222,298,548, C deleted on the plus strand (G on the coding strand, the reverse complement: PAX3 is on the minus strand). VCF-style (leftmost placement, unchanged base first): chr2-222298547-GC-G. GRCh37 (hg19) VCF-style: chr2-223163266-GC-G.
Other names: c.68del, p.Ser23fs (NM_000438.6, NM_001127366.3, NM_013942.5 and 4 more transcripts); short protein forms S23fs.
Identifiers: ClinVar variation 817688 (VCV000817688.1), dbSNP rs1574775376, ClinGen allele CA915941742.
Genomic context (GRCh38, chr2:222,298,547, plus strand): 5'-CCCAGGCCCTGGGATCCAGGCGGCGCGCTGAGGCCCTCCCTTACCTTCCAGCGGGAACCC[GC>G]TACGCGGGTAGTTCTGCCCCGGGCCCGGCCGCATCATCCTGGGCACAGCGCCGGCCAGCG-3'

ClinVar aggregate classification (germline): Pathogenic (1 of 4 stars; one submission).

Submission:

GeneDx
Classification: Pathogenic. Last evaluated: 2018-06-28. Review status: criteria provided, single submitter. Criteria: GeneDx Variant Classification (06012015). Collection method: clinical testing. Allele origin: germline. Affected: yes.
Comment: The c.68delG variant has not been published as a pathogenic variant, nor has it been reported as a benign variant to our knowledge. The variant is not observed in large population cohorts (Lek et al., 2016). It causes a frameshift starting with codon Serine 23, changes this amino acid to a Threonine residue and creates a premature Stop codon at position 87 of the new reading frame, denoted p.Ser23ThrfsX87. This variant is predicted to cause loss of normal protein function either through protein truncation or nonsense-mediated mRNA decay. In summary, we consider this variant to be pathogenic.